The following is an entry in ClinVar:

NM_001374736.1(DST):c.20655C>T (p.Ile6885=)

Gene: DST (dystonin; minus strand). Cytogenetic location: 6p12.1.
Variant type: single nucleotide variant.
Coding change: c.20655C>T on transcript NM_001374736.1 (MANE Select); coding-DNA position 20655, C replaced by T.
Protein change: p.Ile6885=; no amino-acid change (isoleucine 6885 retained).
Molecular consequence: synonymous variant.
Genome position (GRCh38, 1-based): chr6:56,492,329, G>A on the plus strand (C>T on the coding strand, the complement: DST is on the minus strand). VCF-style: chr6-56492329-G-A. GRCh37 (hg19) VCF-style: chr6-56357127-G-A.
Other names: c.14298C>T, p.Ile4766= (NM_001144769.5); c.13884C>T, p.Ile4628= (NM_001144770.2); c.20655C>T, p.Ile6885= (NM_001374722.1); c.19695C>T, p.Ile6565= (NM_001374729.1); c.13437C>T, p.Ile4479= (NM_001374730.1); c.20682C>T, p.Ile6894= (NM_001374734.1); c.13764C>T, p.Ile4588= (NM_001386100.1, NM_183380.4); c.12786C>T, p.Ile4262= (NM_015548.5).
Identifiers: ClinVar variation 3749524 (VCV003749524.2).

ClinVar aggregate classification (germline): Uncertain significance (1 of 4 stars; one submission).

Conditions:
Hereditary sensory and autonomic neuropathy type 6. Also called: HSAN VI; Neuropathy, hereditary sensory and autonomic, type VI. Identifiers: Orphanet 314381, MedGen C3539003, MONDO:0013839, OMIM 614653.
Epidermolysis bullosa simplex 3, localized or generalized intermediate, with BP230 deficiency (EBS3). Also called: Epidermolysis bullosa simplex due to BP230 deficiency; Epidermolysis bullosa simplex, autosomal recessive 2. Identifiers: Orphanet 412181, MedGen C3809470, MONDO:0014180, OMIM 615425.

gnomAD v4.1: 1 of 1,613,764 alleles (0.000062%); no homozygotes.

Submission:

Labcorp Genetics (formerly Invitae), Labcorp
Classification: Uncertain significance for Epidermolysis bullosa simplex 3, localized or generalized intermediate, with BP230 deficiency; Hereditary sensory and autonomic neuropathy type 6. Last evaluated: 2024-07-22. Review status: criteria provided, single submitter. Criteria: Invitae Variant Classification Sherloc (09022015). Collection method: clinical testing. Allele origin: germline.
Comment: The DST gene has multiple clinically relevant transcripts. This variant occurs in alternate transcript NM_015548.4, and corresponds to NM_001723.5:c.*123188C>T (Non-coding) in the primary transcript. This sequence change affects codon 4262 of the DST mRNA. It is a 'silent' change, meaning that it does not change the encoded amino acid sequence of the DST protein. This variant is present in population databases (no rsID available, gnomAD 0.0009%). This variant has not been reported in the literature in individuals affected with DST-related conditions. Experimental studies and prediction algorithms are not available or were not evaluated, and the effect of this variant on mRNA splicing is currently unknown. In summary, the available evidence is currently insufficient to determine the role of this variant in disease. Therefore, it has been classified as a Variant of Uncertain Significance.